The following is an entry in ClinVar:

ClinVar aggregate classification (germline): Pathogenic (1 of 4 stars; one submission).

Conditions:
Inborn genetic diseases. Identifiers: MedGen C0950123, MeSH D030342.

Submission:

Ambry Genetics
Classification: Pathogenic for Inborn genetic diseases. Last evaluated: 2026-04-29. Review status: criteria provided, single submitter. Criteria: Ambry Variant Classification Scheme 2023. Collection method: clinical testing. Allele origin: germline.
Comment: The c.4473dupT (p.P1492Sfs*15) alteration, located in exon 1 (coding exon 1) of the TCF20 gene, consists of a duplication of T at position 4473, causing a translational frameshift with a predicted alternate stop codon after 15 amino acids. This variant is expected to result in loss of function by premature protein truncation or nonsense-mediated mRNA decay. This variant was not reported in population-based cohorts in the Genome Aggregation Database (gnomAD). Based on the available evidence, this alteration is classified as pathogenic.

NM_001378418.1(TCF20):c.4473dup (p.Pro1492fs)

Gene: TCF20 (transcription factor 20; minus strand). Cytogenetic location: 22q13.2.
Variant type: Duplication.
Coding change: c.4473dup on transcript NM_001378418.1 (MANE Select); coding-DNA position 4473, one base duplicated (T; older notation c.4473dupT).
Protein change: p.Pro1492fs; shifts the reading frame from proline 1492.
Molecular consequence: frameshift variant.
Genome position (GRCh38, 1-based): chr22:42,210,833, A duplicated on the plus strand (T on the coding strand, the reverse complement: TCF20 is on the minus strand); the first of 3 consecutive A bases (chr22:42,210,833-42,210,835); duplicating any one gives the same sequence. VCF-style (leftmost placement, unchanged base first): chr22-42210832-G-GA. GRCh37 (hg19) VCF-style: chr22-42606838-G-GA.
Other names: c.4473dup, p.Pro1492fs (NM_005650.4, NM_181492.3); short protein forms P1492fs.
Identifiers: ClinVar variation 4865383 (VCV004865383.1).
Genomic context (GRCh38, chr22:42,210,832, plus strand): 5'-CAGCCTTGGGGTTTGCCTCAGGGGCCAATATGCCCACTGGAGGTACATTCTTTGAGTCTG[G>GA]AAAGATTAAAGGTGCTGTTCCACCCAGGGAACCATCTGGTCTCCCTTGGTTACTACCAGG-3'